The following is an entry in ClinVar:

NM_206937.2(LIG4):c.2569G>A (p.Ala857Thr)

Gene: LIG4 (DNA ligase 4; minus strand). Cytogenetic location: 13q33.3.
Variant type: single nucleotide variant.
Coding change: c.2569G>A on transcript NM_206937.2 (MANE Select); coding-DNA position 2569, G replaced by A.
Protein change: p.Ala857Thr; replaces alanine 857 with threonine.
Molecular consequence: missense variant.
Genome position (GRCh38, 1-based): chr13:108,208,700, C>T on the plus strand (G>A on the coding strand, the complement: LIG4 is on the minus strand). VCF-style: chr13-108208700-C-T. GRCh37 (hg19) VCF-style: chr13-108861048-C-T.
Other names: c.2569G>A, p.Ala857Thr (NM_001098268.2, NM_001352598.2, NM_001352599.2 and 6 more transcripts); c.2368G>A, p.Ala790Thr (NM_001330595.2); c.2605G>A, p.Ala869Thr (NM_001352604.2); c.2569G>A (NM_206937.1); short protein forms A857T, A790T, A869T.
Identifiers: ClinVar variation 310973 (VCV000310973.22), dbSNP rs2232642, ClinGen allele CA7043470.

ClinVar aggregate classification (germline): Benign/Likely benign. Review status: criteria provided, multiple submitters, no conflicts (2 of 4 stars). 8 submissions from 7 submitters: Benign (7); Likely benign (1). Last evaluated 2026-02-02.

Conditions:
DNA ligase IV deficiency. Identifiers: Orphanet 99812, MedGen C1847827, MONDO:0011686, OMIM 606593.
Severe combined immunodeficiency due to DCLRE1C deficiency (RS-SCID). Also called: SCID, AUTOSOMAL RECESSIVE, T CELL-NEGATIVE, B CELL-NEGATIVE, NK CELL-POSITIVE, WITH SENSITIVITY TO IONIZING RADIATION. Identifiers: Orphanet 275, MedGen C1865371, MONDO:0011225, OMIM 602450.

Allele frequency attached by ClinVar (database versions not stated): gnomAD exomes 0.00771 and 0.00284; ExAC 0.00958; gnomAD 0.03050 and 0.03272; ESP Exome Variant Server 0.03429; 1000 Genomes Project 30x 0.03467; 1000 Genomes Project 0.03534; TOPMed 0.03417.
gnomAD v4.1: 8,979 of 1,614,144 alleles (0.56%); highest among the groups gnomAD compares: African/African-American, 11%; 460 homozygotes.

Submissions (8):

Labcorp Genetics (formerly Invitae), Labcorp
Classification: Benign for DNA ligase IV deficiency. Last evaluated: 2026-02-02. Review status: criteria provided, single submitter. Criteria: Invitae Variant Classification Sherloc (09022015). Collection method: clinical testing. Allele origin: germline.

Women's Health and Genetics/Laboratory Corporation of America, LabCorp
Classification: Likely benign. Last evaluated: 2026-01-22. Review status: criteria provided, single submitter. Criteria: LabCorp Variant Classification Summary - May 2015. Collection method: clinical testing. Allele origin: germline.

KCCC/NGS Laboratory, Kuwait Cancer Control Center
Classification: Benign for DNA ligase IV deficiency. Last evaluated: 2023-07-07. Review status: criteria provided, single submitter. Criteria: ACMG Guidelines, 2015. Collection method: clinical testing. Allele origin: germline. Affected: yes.

Mayo Clinic Laboratories, Mayo Clinic
Classification: Benign. Last evaluated: 2018-12-11. Review status: criteria provided, single submitter. Criteria: ACMG Guidelines, 2015. Collection method: clinical testing. Allele origin: germline. Observed: 19 variant alleles.

Illumina Laboratory Services, Illumina
Classification: Benign for Severe combined immunodeficiency due to DCLRE1C deficiency. Last evaluated: 2018-01-13. Review status: criteria provided, single submitter. Criteria: ICSL Variant Classification Criteria 13 December 2019. Collection method: clinical testing. Allele origin: germline.
Comment: This variant was observed in the ICSL laboratory as part of a predisposition screen in an ostensibly healthy population. It had not been previously curated by ICSL or reported in the Human Gene Mutation Database (HGMD: prior to June 1st, 2018), and was therefore a candidate for classification through an automated scoring system. Utilizing variant allele frequency, disease prevalence and penetrance estimates, and inheritance mode, an automated score was calculated to assess if this variant is too frequent to cause the disease. Based on the score and internal cut-off values, a variant classified as benign is not then subjected to further curation. The score for this variant resulted in a classification of benign for this disease.

Illumina Laboratory Services, Illumina
Classification: Benign for DNA ligase IV deficiency. Last evaluated: 2018-01-13. Review status: criteria provided, single submitter. Criteria: ICSL Variant Classification Criteria 13 December 2019. Collection method: clinical testing. Allele origin: germline.
Comment: the same text as in the submission from Illumina Laboratory Services, Illumina above.

GeneDx
Classification: Benign. Last evaluated: 2015-03-03. Review status: criteria provided, single submitter. Criteria: GeneDx Variant Classification Process June 2021. Collection method: clinical testing. Allele origin: germline. Affected: yes.

Breakthrough Genomics
Classification: Benign. Review status: criteria provided, single submitter. Criteria: ACMG Guidelines, 2015. Collection method: not provided. Allele origin: germline. Inheritance: Autosomal recessive inheritance. Affected: yes.